The following is an entry in ClinVar:

NM_006383.4(CIB2):c.301_311del (p.Ser101fs)

Gene: CIB2 (calcium and integrin binding family member 2; minus strand). Cytogenetic location: 15q25.1.
Variant type: Deletion.
Coding change: c.301_311del on transcript NM_006383.4 (MANE Select); coding-DNA positions 301 to 311, 11 bases deleted (TCGGCTCCCCG).
Protein change: p.Ser101fs; shifts the reading frame from serine 101.
Molecular consequence: frameshift variant. On other transcripts: non-coding transcript variant (1).
Genome position (GRCh38, 1-based): chr15:78,109,270-78,109,280, CGGGGAGCCGA deleted on the plus strand (TCGGCTCCCCG on the coding strand, the reverse complement: CIB2 is on the minus strand); deleting any 11 consecutive bases within chr15:78,109,270-78,109,281 gives the same sequence; the c. name uses the placement nearest the transcript's 3' end. VCF-style (leftmost placement, unchanged base first): chr15-78109269-TCGGGGAGCCGA-T. GRCh37 (hg19) VCF-style: chr15-78401611-TCGGGGAGCCGA-T.
Other names: c.172_182del, p.Ser58fs (NM_001271888.2); c.154_164del, p.Ser52fs (NM_001271889.2); c.316_326del, p.Ser106fs (NM_001301224.2); short protein forms S106fs, S101fs, S52fs, S58fs.
Identifiers: ClinVar variation 1446454 (VCV001446454.7), dbSNP rs1567049981, ClinGen allele CA619416866.

ClinVar aggregate classification (germline): Pathogenic/Likely pathogenic. Review status: criteria provided, multiple submitters, no conflicts (2 of 4 stars). 2 submissions from 2 submitters: Pathogenic (1); Likely pathogenic (1). Last evaluated 2022-10-13.

Conditions:
CIB2-related disorders.

Submissions (2):

Labcorp Genetics (formerly Invitae), Labcorp
Classification: Pathogenic. Last evaluated: 2022-10-13. Review status: criteria provided, single submitter. Criteria: Invitae Variant Classification Sherloc (09022015). Collection method: clinical testing. Allele origin: germline.
Comment: This sequence change creates a premature translational stop signal (p.Ser101Argfs*12) in the CIB2 gene. It is expected to result in an absent or disrupted protein product. Loss-of-function variants in CIB2 are known to be pathogenic (PMID: 26173970, 26226137, 26445815). This variant is present in population databases (no rsID available, gnomAD no frequency). This variant has not been reported in the literature in individuals affected with CIB2-related conditions. ClinVar contains an entry for this variant (Variation ID: 1446454). For these reasons, this variant has been classified as Pathogenic.

Blueprint Genetics
Classification: Likely pathogenic for CIB2-related disorders. Last evaluated: 2022-04-25. Review status: criteria provided, single submitter. Criteria: ACMG Guidelines, 2015. Collection method: clinical testing. Allele origin: germline. Affected: yes. Observed: 1 variant allele.

Literature cited by the submitters: PubMed 26173970 (cited by Labcorp Genetics (formerly Invitae), Labcorp); PubMed 26226137 (cited by Labcorp Genetics (formerly Invitae), Labcorp); PubMed 26445815 (cited by Labcorp Genetics (formerly Invitae), Labcorp).